The following is an entry in ClinVar:

ClinVar aggregate classification (germline): Benign/Likely benign. Review status: criteria provided, multiple submitters, no conflicts (2 of 4 stars). 6 submissions from 6 submitters: Benign (5); Likely benign (1). Last evaluated 2026-02-03.

Conditions:
Koolen-de Vries syndrome (KDVS). Identifiers: Orphanet 96169, MedGen C1864871, MONDO:0012496, OMIM 610443.

Allele frequency attached by ClinVar (database versions not stated): 1000 Genomes Project 30x 0.00812; 1000 Genomes Project 0.00819; gnomAD 0.00967; TOPMed 0.01050; ESP Exome Variant Server 0.01161.
gnomAD v4.1: 2,645 of 1,614,198 alleles (0.16%); highest among the groups gnomAD compares: African/African-American, 3.2%; 50 homozygotes.

Submissions (6):

Labcorp Genetics (formerly Invitae), Labcorp
Classification: Benign for Koolen-de Vries syndrome. Last evaluated: 2026-02-03. Review status: criteria provided, single submitter. Criteria: Invitae Variant Classification Sherloc (09022015). Collection method: clinical testing. Allele origin: germline.

Fulgent Genetics
Classification: Likely benign for Koolen-de Vries syndrome. Last evaluated: 2021-07-24. Review status: criteria provided, single submitter. Criteria: ACMG Guidelines, 2015. Collection method: clinical testing. Allele origin: unknown.

Mayo Clinic Laboratories, Mayo Clinic
Classification: Benign. Last evaluated: 2020-06-08. Review status: criteria provided, single submitter. Criteria: ACMG Guidelines, 2015. Collection method: clinical testing. Allele origin: germline. Observed: 5 variant alleles.

Athena Diagnostics
Classification: Benign. Last evaluated: 2018-04-11. Review status: criteria provided, single submitter. Criteria: Athena Diagnostics Criteria. Collection method: clinical testing. Allele origin: germline.

GeneDx
Classification: Benign. Last evaluated: 2013-10-28. Review status: criteria provided, single submitter. Criteria: GeneDx Variant Classification (06012015). Collection method: clinical testing. Allele origin: germline. Affected: yes.
Comment: This variant is considered likely benign or benign based on one or more of the following criteria: it is a conservative change, it occurs at a poorly conserved position in the protein, it is predicted to be benign by multiple in silico algorithms, and/or has population frequency not consistent with disease.

Breakthrough Genomics
Classification: Benign. Review status: criteria provided, single submitter. Criteria: ACMG Guidelines, 2015. Collection method: not provided. Allele origin: germline. Inheritance: Autosomal dominant inheritance. Affected: yes.

NM_015443.4(KANSL1):c.2109A>G (p.Leu703=)

Gene: KANSL1 (KAT8 regulatory NSL complex subunit 1). Cytogenetic location: 17q21.31.
Variant type: single nucleotide variant.
Coding change: c.2109A>G on transcript NM_015443.4 (MANE Select); coding-DNA position 2109, A replaced by G.
Protein change: p.Leu703=; no amino-acid change (leucine 703 retained).
Molecular consequence: synonymous variant.
Genome position (GRCh38, 1-based): chr17:46,039,796, T>C on the plus strand (A>G on the coding strand, the complement: KANSL1 is on the minus strand). VCF-style: chr17-46039796-T-C. GRCh37 (hg19) VCF-style: chr17-44117162-T-C.
Other names: p.L703L:TTA>TTG; p.Leu703=; c.2109A>G, p.Leu703= (NM_001193465.2, NM_001193466.2, NM_001379198.1).
Identifiers: ClinVar variation 137966 (VCV000137966.16), dbSNP rs34101027, ClinGen allele CA291699.